The following is an entry in ClinVar:

NM_006734.4(HIVEP2):c.1415A>T (p.Glu472Val)

Gene: HIVEP2 (HIVEP zinc finger 2; minus strand). Cytogenetic location: 6q24.2.
Variant type: single nucleotide variant.
Coding change: c.1415A>T on transcript NM_006734.4 (MANE Select); coding-DNA position 1415, A replaced by T.
Protein change: p.Glu472Val; replaces glutamic acid 472 with valine.
Molecular consequence: missense variant.
Genome position (GRCh38, 1-based): chr6:142,773,324, T>A on the plus strand (A>T on the coding strand, the complement: HIVEP2 is on the minus strand). VCF-style: chr6-142773324-T-A. GRCh37 (hg19) VCF-style: chr6-143094461-T-A.
Other names: c.1415A>T, p.Glu472Val (NM_001438449.1, NM_001438450.1, NM_001438451.1); short protein forms E472V.
Identifiers: ClinVar variation 4621541 (VCV004621541.2).

ClinVar aggregate classification (germline): Uncertain significance. Review status: criteria provided, multiple submitters, no conflicts (2 of 4 stars). 2 submissions from 2 submitters: Uncertain significance (2). Last evaluated 2025-10-08.

Conditions:
Inborn genetic diseases. Identifiers: MedGen C0950123, MeSH D030342.

gnomAD v4.1: 80 of 1,614,072 alleles (0.005%); highest among the groups gnomAD compares: Non-Finnish European, 0.0068%; no homozygotes.

Submissions (2):

Women's Health and Genetics/Laboratory Corporation of America, LabCorp
Classification: Uncertain significance. Last evaluated: 2025-10-08. Review status: criteria provided, single submitter. Criteria: LabCorp Variant Classification Summary - May 2015. Collection method: clinical testing. Allele origin: germline.
Comment: Variant summary: HIVEP2 c.1415A>T (p.Glu472Val) results in a non-conservative amino acid change in the encoded protein sequence. Algorithms developed to predict the effect of missense changes on protein structure and function are either unavailable or do not agree on the potential impact of this missense change. The variant allele was found at a frequency of 8e-06 in 249588 control chromosomes. The available data on variant occurrences in the general population are insufficient to allow any conclusion about variant significance. To our knowledge, no occurrence of c.1415A>T in individuals affected with HIVEP2-related conditions and no experimental evidence demonstrating its impact on protein function have been reported. No submitters have cited clinical-significance assessments for this variant to ClinVar. Based on the evidence outlined above, the variant was classified as uncertain significance.

Ambry Genetics
Classification: Uncertain significance for Inborn genetic diseases. Last evaluated: 2025-10-02. Review status: criteria provided, single submitter. Criteria: Ambry Variant Classification Scheme 2023. Collection method: clinical testing. Allele origin: germline.